The following is an entry in ClinVar:

ClinVar aggregate classification (germline): Likely pathogenic, low penetrance. Review status: criteria provided, single submitter (1 of 4 stars). 2 submissions from 2 submitters: Likely pathogenic, low penetrance (1). 1 of the submissions does not count toward it. Last evaluated 2025-10-02.

Conditions:
Atypical hemolytic-uremic syndrome. Identifiers: Orphanet 2134, MedGen C2931788, MONDO:0016244.
Hemolytic uremic syndrome, atypical, susceptibility to, 1. Also called: AHUS, SUSCEPTIBILITY TO, 1. Identifiers: Orphanet 2134, Orphanet 90038, MedGen C2749604, MONDO:0009335, OMIM 235400. Disease mechanism: Other.

Submissions (2):

Genomenon, Inc
Classification: Likely pathogenic, low penetrance for Atypical hemolytic-uremic syndrome. Last evaluated: 2025-10-02. Review status: criteria provided, single submitter. Criteria: Genomenon Sequence Variant Interpretation Standards - Updated. Collection method: curation. Allele origin: germline. Affected: yes.
Comment: CFH p.Trp198Arg (c.592T>C) is a missense variant that changes the amino acid at residue 198 from Tryptophan to Arginine. This variant has been observed in at least one proband affected with atypical hemolytic-uremic syndrome (PMID:26826462). At least one functional study has demonstrated a substantial alteration in protein function relative to the wild-type (PMID:34189567;29321782). It is absent or not present at a significant frequency in gnomAD. In silico models agree that this variant is possibly or probably damaging. In conclusion, we classify CFH p.Trp198Arg (c.592T>C) as a likely pathogenic, low penetrance variant.

Research Laboratory - Department of Internal Medicine and Hematology, Semmelweis University
Classification: Likely pathogenic for Hemolytic uremic syndrome, atypical, susceptibility to, 1. Last evaluated: 2025-01-21. Review status: no assertion criteria provided. Collection method: clinical testing. Allele origin: maternal. Affected: yes. Observed: 1 heterozygote. Not counted in ClinVar's aggregate classification.
Comment: Described in one aHUS patient:PMID: 26826462. Absent from conrols. The W198R variant results in impaired complement alternative pathway regulation, as shown by functional studies (PMID:  26826462, 29321782, 34189567).

Literature cited by the submitters: PubMed 26826462 (cited by Genomenon, Inc and Research Laboratory - Department of Internal Medicine and Hematology, Semmelweis University); PubMed 34189567 (cited by Genomenon, Inc and Research Laboratory - Department of Internal Medicine and Hematology, Semmelweis University); PubMed 29321782 (cited by Genomenon, Inc and Research Laboratory - Department of Internal Medicine and Hematology, Semmelweis University).

NM_000186.4(CFH):c.592T>C (p.Trp198Arg)

Gene: CFH (complement factor H; plus strand). Cytogenetic location: 1q31.3.
Variant type: single nucleotide variant.
Coding change: c.592T>C on transcript NM_000186.4 (MANE Select); coding-DNA position 592, T replaced by C.
Protein change: p.Trp198Arg; replaces tryptophan 198 with arginine.
Molecular consequence: missense variant.
Genome position (GRCh38, 1-based): chr1:196,677,640, T>C. VCF-style: chr1-196677640-T-C. GRCh37 (hg19) VCF-style: chr1-196646770-T-C.
Other names: W198R; c.592T>C, p.Trp198Arg (NM_001014975.3).
Identifiers: ClinVar variation 3600348 (VCV003600348.3).
Genomic context (GRCh38, chr1:196,677,640, plus strand): 5'-TGTAACTCAGGCTACAAGATTGAAGGAGATGAAGAAATGCATTGTTCAGACGATGGTTTT[T>C]GGAGTAAAGAGAAACCAAAGTGTGTGGGTAAGATACACTTACTGTTTTAGTATTTTTAGC-3'
Protein context (NP_000177.2, residues 188-208): EEMHCSDDGF[Trp198Arg]SKEKPKCVEI